The following is an entry in ClinVar:

ClinVar aggregate classification (germline): Uncertain significance (1 of 4 stars; one submission).

gnomAD v4.1: 7 of 1,614,170 alleles (0.00043%); highest among the groups gnomAD compares: Non-Finnish European, 0.00059%; no homozygotes.

Submission:

Labcorp Genetics (formerly Invitae), Labcorp
Classification: Uncertain significance. Last evaluated: 2025-02-20. Review status: criteria provided, single submitter. Criteria: Invitae Variant Classification Sherloc (09022015). Collection method: clinical testing. Allele origin: germline.
Comment: This sequence change replaces leucine, which is neutral and non-polar, with valine, which is neutral and non-polar, at codon 62 of the MTMR14 protein (p.Leu62Val). This variant is not present in population databases (gnomAD no frequency). This variant has not been reported in the literature in individuals affected with MTMR14-related conditions. Invitae Evidence Modeling of protein sequence and biophysical properties (such as structural, functional, and spatial information, amino acid conservation, physicochemical variation, residue mobility, and thermodynamic stability) indicates that this missense variant is not expected to disrupt MTMR14 protein function with a negative predictive value of 80%. In summary, the available evidence is currently insufficient to determine the role of this variant in disease. Therefore, it has been classified as a Variant of Uncertain Significance.

NM_001077525.3(MTMR14):c.184C>G (p.Leu62Val)

Gene: MTMR14 (myotubularin related protein 14; plus strand). Cytogenetic location: 3p25.3.
Variant type: single nucleotide variant.
Coding change: c.184C>G on transcript NM_001077525.3 (MANE Select); coding-DNA position 184, C replaced by G.
Protein change: p.Leu62Val; replaces leucine 62 with valine.
Molecular consequence: missense variant. On other transcripts: 5 prime UTR variant (14), non-coding transcript variant (8), intron variant (6).
Genome position (GRCh38, 1-based): chr3:9,653,645, C>G. VCF-style: chr3-9653645-C-G. GRCh37 (hg19) VCF-style: chr3-9695329-C-G.
Other names: c.-322C>G (NM_001400533.1, NM_001400539.1, NM_001400545.1); c.-383C>G (NM_001400534.1, NM_001400538.1, NM_001400541.1 and 3 more transcripts); c.184C>G, p.Leu62Val (NM_001400536.1, NM_022485.5, NM_001077526.3 and 9 more transcripts); c.-350C>G (NM_001400540.1); c.-395C>G (NM_001400544.1); c.-532C>G (NM_001400547.1); c.-456C>G (NM_001400548.1); c.-286C>G (NM_001400550.1); and 4 more; short protein forms L62V, L85V.
Identifiers: ClinVar variation 4805791 (VCV004805791.1).